The following is an entry in ClinVar:

ClinVar aggregate classification (germline): Benign (1 of 4 stars; one submission).

Conditions:
Premature ovarian failure 6 (POF6). Identifiers: MedGen C2676742, MONDO:0012861, OMIM 612310.

Allele frequency attached by ClinVar (database versions not stated): gnomAD 0.00012 and 0.00015; TOPMed 0.00013; 1000 Genomes Project 0.00060; 1000 Genomes Project 30x 0.00094.
gnomAD v4.1: 86 of 1,531,146 alleles (0.0056%); highest among the groups gnomAD compares: East Asian, 0.16%; 1 homozygote.

Submission:

Illumina Laboratory Services, Illumina
Classification: Benign for Premature ovarian failure 6. Last evaluated: 2018-01-12. Review status: criteria provided, single submitter. Criteria: ICSL Variant Classification Criteria 13 December 2019. Collection method: clinical testing. Allele origin: germline.
Comment: This variant was observed in the ICSL laboratory as part of a predisposition screen in an ostensibly healthy population. It had not been previously curated by ICSL or reported in the Human Gene Mutation Database (HGMD: prior to June 1st, 2018), and was therefore a candidate for classification through an automated scoring system. Utilizing variant allele frequency, disease prevalence and penetrance estimates, and inheritance mode, an automated score was calculated to assess if this variant is too frequent to cause the disease. Based on the score and internal cut-off values, a variant classified as benign is not then subjected to further curation. The score for this variant resulted in a classification of benign for this disease.

NM_001004311.3(FIGLA):c.84C>A (p.Asp28Glu)

Gene: FIGLA (folliculogenesis specific bHLH transcription factor; minus strand). Cytogenetic location: 2p13.3.
Variant type: single nucleotide variant.
Coding change: c.84C>A on transcript NM_001004311.3 (MANE Select); coding-DNA position 84, C replaced by A.
Protein change: p.Asp28Glu; replaces aspartic acid 28 with glutamic acid.
Molecular consequence: missense variant.
Genome position (GRCh38, 1-based): chr2:70,790,555, G>T on the plus strand (C>A on the coding strand, the complement: FIGLA is on the minus strand). VCF-style: chr2-70790555-G-T. GRCh37 (hg19) VCF-style: chr2-71017687-G-T.
Other names: short protein forms D28E.
Identifiers: ClinVar variation 336914 (VCV000336914.5), dbSNP rs373561603, ClinGen allele CA10616092.
Genomic context (GRCh38, chr2:70,790,555, plus strand): 5'-CCGCTTGAGCCGGCAGACAGCGGCCAGCTGGGGCAGCGGCCCGAACTGCTCCCGCAACAC[G>T]TCCTCCAGCACCTCGGCTTGCGGGGTGCCCAGGAGCGCGGGCGGCGCGGCGCGGGGATCT-3'
Protein context (NP_001004311.2, residues 18-38): LGTPQAEVLE[Asp28Glu]VLREQFGPLP